The following is an entry in ClinVar:

ClinVar aggregate classification (germline): Uncertain significance (1 of 4 stars; one submission).

Submission:

Labcorp Genetics (formerly Invitae), Labcorp
Classification: Uncertain significance. Last evaluated: 2022-09-10. Review status: criteria provided, single submitter. Criteria: Invitae Variant Classification Sherloc (09022015). Collection method: clinical testing. Allele origin: germline.
Comment: This sequence change replaces phenylalanine, which is neutral and non-polar, with valine, which is neutral and non-polar, at codon 1430 of the NLRP1 protein (p.Phe1430Val). In summary, the available evidence is currently insufficient to determine the role of this variant in disease. Therefore, it has been classified as a Variant of Uncertain Significance. Algorithms developed to predict the effect of missense changes on protein structure and function are either unavailable or do not agree on the potential impact of this missense change (SIFT: "Deleterious"; PolyPhen-2: "Probably Damaging"; Align-GVGD: "Class C0"). This variant has not been reported in the literature in individuals affected with NLRP1-related conditions. This variant is not present in population databases (gnomAD no frequency).

NM_033004.4(NLRP1):c.4288T>G (p.Phe1430Val)

Gene: NLRP1 (NLR family pyrin domain containing 1; minus strand). Cytogenetic location: 17p13.2.
Variant type: single nucleotide variant.
Coding change: c.4288T>G on transcript NM_033004.4 (MANE Select); coding-DNA position 4288, T replaced by G.
Protein change: p.Phe1430Val; replaces phenylalanine 1430 with valine.
Molecular consequence: missense variant. On other transcripts: intron variant (1).
Genome position (GRCh38, 1-based): chr17:5,514,888, A>C on the plus strand (T>G on the coding strand, the complement: NLRP1 is on the minus strand). VCF-style: chr17-5514888-A-C. GRCh37 (hg19) VCF-style: chr17-5418208-A-C.
Other names: c.4156T>G, p.Phe1386Val (NM_014922.5); c.4198T>G, p.Phe1400Val (NM_033006.4); c.4066T>G, p.Phe1356Val (NM_033007.4); c.4069+2858T>G (NM_001033053.3); short protein forms F1356V, F1386V, F1400V, F1430V.
Identifiers: ClinVar variation 1719154 (VCV001719154.5), dbSNP rs2507692444, ClinGen allele CA397386726.
Genomic context (GRCh38, chr17:5,514,888, plus strand): 5'-CCTTCAGGGCTTGGTAGAGTCCATCTTTGCACTTCCGGTCCCAGGACTGGCTCAAGCTGA[A>C]CAGCTTCCGCATCTGGCTGGGCCTCGTGTTCTCAGCCAGCACCCTCTCGTACTGCTCCTG-3'
Protein context (NP_127497.1, residues 1420-1440): NTRPSQMRKL[Phe1430Val]SLSQSWDRKC